The following is an entry in ClinVar:

ClinVar aggregate classification (germline): Benign. Review status: criteria provided, multiple submitters, no conflicts (2 of 4 stars). 3 submissions from 3 submitters: Benign (2). 1 of the submissions does not count toward it. Last evaluated 2025-12-16.

Conditions:
KMT2A-related disorder. Also called: KMT2A-related condition.

Allele frequency attached by ClinVar (database versions not stated): gnomAD exomes 0.00008; ExAC 0.00012; gnomAD 0.00013 and 0.00015; 1000 Genomes Project 30x 0.00016; TOPMed 0.00017; 1000 Genomes Project 0.00020; ESP Exome Variant Server 0.00046.
gnomAD v4.1: 53 of 1,614,160 alleles (0.0033%); highest among the groups gnomAD compares: African/African-American, 0.057%; no homozygotes.

Submissions (3):

Labcorp Genetics (formerly Invitae), Labcorp
Classification: Benign. Last evaluated: 2025-12-16. Review status: criteria provided, single submitter. Criteria: Invitae Variant Classification Sherloc (09022015). Collection method: clinical testing. Allele origin: germline.

GeneDx
Classification: Benign. Last evaluated: 2021-04-23. Review status: criteria provided, single submitter. Criteria: GeneDx Variant Classification Process June 2021. Collection method: clinical testing. Allele origin: germline. Affected: yes.

PreventionGenetics, part of Exact Sciences
Classification: Likely benign for KMT2A-related condition. Last evaluated: 2023-10-27. Review status: no assertion criteria provided. Collection method: clinical testing. Allele origin: germline. Not counted in ClinVar's aggregate classification.
Comment: This variant is classified as likely benign based on ACMG/AMP sequence variant interpretation guidelines (Richards et al. 2015 PMID: 25741868, with internal and published modifications).

NM_001197104.2(KMT2A):c.9165T>C (p.Asp3055=)

Gene: KMT2A (lysine methyltransferase 2A; plus strand). Cytogenetic location: 11q23.3.
Variant type: single nucleotide variant.
Coding change: c.9165T>C on transcript NM_001197104.2 (MANE Select); coding-DNA position 9165, T replaced by C.
Protein change: p.Asp3055=; no amino-acid change (aspartic acid 3055 retained).
Molecular consequence: synonymous variant.
Genome position (GRCh38, 1-based): chr11:118,505,057, T>C. VCF-style: chr11-118505057-T-C. GRCh37 (hg19) VCF-style: chr11-118375772-T-C.
Other names: c.9156T>C, p.Asp3052= (NM_005933.4).
Identifiers: ClinVar variation 726375 (VCV000726375.13), dbSNP rs143721596, ClinGen allele CA6304559.